The following is an entry in ClinVar:

ClinVar aggregate classification (germline): Uncertain significance (1 of 4 stars; one submission).

Conditions:
Acute infantile liver failure due to synthesis defect of mtDNA-encoded proteins. Also called: LIVER FAILURE, INFANTILE, TRANSIENT; TRMU Deficiency; Liver failure acute infantile. Identifiers: Orphanet 217371, MedGen C3278664, MONDO:0013111, OMIM 613070.

Allele frequency attached by ClinVar (database versions not stated): gnomAD exomes 0.00001; ExAC 0.00002.
gnomAD v4.1: 3 of 1,614,222 alleles (0.00019%); highest among the groups gnomAD compares: Admixed American, 0.005%; no homozygotes.

Submission:

Baylor Genetics
Classification: Uncertain significance for Acute infantile liver failure due to synthesis defect of mtDNA-encoded proteins. Last evaluated: 2017-09-01. Review status: criteria provided, single submitter. Criteria: ACMG Guidelines, 2015. Collection method: clinical testing. Allele origin: germline. Inheritance: Autosomal recessive inheritance. Affected: yes.

Literature cited by the submitters: PubMed 25326635.

NM_018006.5(TRMU):c.497C>A (p.Ala166Glu)

Gene: TRMU (tRNA mitochondrial 2-thiouridylase; plus strand). Cytogenetic location: 22q13.31.
Variant type: single nucleotide variant.
Coding change: c.497C>A on transcript NM_018006.5 (MANE Select); coding-DNA position 497, C replaced by A.
Protein change: p.Ala166Glu; replaces alanine 166 with glutamic acid.
Molecular consequence: missense variant. On other transcripts: intron variant (2).
Genome position (GRCh38, 1-based): chr22:46,350,309, C>A. VCF-style: chr22-46350309-C-A. GRCh37 (hg19) VCF-style: chr22-46746206-C-A.
Other names: c.155C>A, p.Ala52Glu (NM_001282782.2); c.497C>A, p.Ala166Glu (NM_001282785.2); c.118-41C>A (NM_001282783.2, NM_001282784.2); short protein forms A166E, A52E.
Identifiers: ClinVar variation 561137 (VCV000561137.2), dbSNP rs756794418, ClinGen allele CA10292078.